The following is an entry in ClinVar:

ClinVar aggregate classification (germline): Likely benign (1 of 4 stars; one submission).

Allele frequency attached by ClinVar (database versions not stated): 1000 Genomes Project 30x 0.00062; 1000 Genomes Project 0.00080; TOPMed 0.00220.
gnomAD v4.1: 297 of 152,342 alleles (0.19%); highest among the groups gnomAD compares: Non-Finnish European, 0.32%; no homozygotes.

Submission:

CeGaT Center for Human Genetics Tuebingen
Classification: Likely benign. Last evaluated: 2026-08-01. Review status: criteria provided, single submitter. Criteria: CeGaT Center For Human Genetics Tuebingen Variant Classification Criteria Version 2. Collection method: clinical testing. Allele origin: germline. Affected: yes. Observed: 34 variant alleles.
Comment: RET: BS1

NM_020975.6(RET):c.2136+509G>T

Gene: RET (ret proto-oncogene; plus strand). Cytogenetic location: 10q11.21.
Variant type: single nucleotide variant.
Coding change: c.2136+509G>T on transcript NM_020975.6 (MANE Select); 509 bases into the intron after coding-DNA position 2136, G replaced by T.
Molecular consequence: intron variant.
Genome position (GRCh38, 1-based): chr10:43,115,245, G>T. VCF-style: chr10-43115245-G-T. GRCh37 (hg19) VCF-style: chr10-43610693-G-T.
Other names: c.2136+509G>T (NM_020630.7, NM_001406743.1, NM_001406744.1 and 2 more transcripts); c.2001+509G>T (NM_001406765.1, NM_001406763.1); c.1740+509G>T (NM_001406772.1, NM_001406769.1); c.1698+509G>T (NM_001406773.1, NM_001406771.1); c.1239+509G>T (NM_001406782.1, NM_001406780.1, NM_001406779.1 and 1 more transcripts); c.1104+509G>T (NM_001406787.1); c.1119+509G>T (NM_001406785.1); c.2007+509G>T (NM_001406764.1, NM_001406762.1, NM_001406761.1); and 10 more.
Identifiers: ClinVar variation 2640416 (VCV002640416.24), dbSNP rs146344379, ClinGen allele CA206263181.
Genomic context (GRCh38, chr10:43,115,245, plus strand): 5'-TGGAAGCCAAGCCCAGTTCTGGAAGTAACAGAGGCTCAGAGCCAAGGGTGTGAGTGAACG[G>T]TGAGCCACGCAGCTTATGGTGGCGTGAATAGCTCCTCGGCAGGAGCCTCCAGGGAGGAAG-3'